The following is an entry in ClinVar:

ClinVar aggregate classification (germline): Uncertain significance (1 of 4 stars; one submission).

Allele frequency attached by ClinVar (database versions not stated): ExAC 0.00002.
gnomAD v4.1: 102 of 1,613,948 alleles (0.0063%); highest among the groups gnomAD compares: Admixed American, 0.023%; no homozygotes.

Submission:

Labcorp Genetics (formerly Invitae), Labcorp
Classification: Uncertain significance. Last evaluated: 2024-11-05. Review status: criteria provided, single submitter. Criteria: Invitae Variant Classification Sherloc (09022015). Collection method: clinical testing. Allele origin: germline.
Comment: This sequence change replaces valine, which is neutral and non-polar, with methionine, which is neutral and non-polar, at codon 320 of the SLC6A19 protein (p.Val320Met). This variant is present in population databases (rs750183032, gnomAD 0.03%). This variant has not been reported in the literature in individuals affected with SLC6A19-related conditions. ClinVar contains an entry for this variant (Variation ID: 2190896). Invitae Evidence Modeling of protein sequence and biophysical properties (such as structural, functional, and spatial information, amino acid conservation, physicochemical variation, residue mobility, and thermodynamic stability) has been performed for this missense variant. However, the output from this modeling did not meet the statistical confidence thresholds required to predict the impact of this variant on SLC6A19 protein function. In summary, the available evidence is currently insufficient to determine the role of this variant in disease. Therefore, it has been classified as a Variant of Uncertain Significance.

NM_001003841.3(SLC6A19):c.958G>A (p.Val320Met)

Gene: SLC6A19 (solute carrier family 6 member 19; plus strand). Cytogenetic location: 5p15.33.
Variant type: single nucleotide variant.
Coding change: c.958G>A on transcript NM_001003841.3 (MANE Select); coding-DNA position 958, G replaced by A.
Protein change: p.Val320Met; replaces valine 320 with methionine.
Molecular consequence: missense variant.
Genome position (GRCh38, 1-based): chr5:1,216,628, G>A. VCF-style: chr5-1216628-G-A. GRCh37 (hg19) VCF-style: chr5-1216743-G-A.
Other names: short protein forms V320M.
Identifiers: ClinVar variation 2190896 (VCV002190896.2), dbSNP rs750183032, ClinGen allele CA3182965.